The following is an entry in ClinVar:

ClinVar aggregate classification (germline): Likely benign (1 of 4 stars; one submission).

Allele frequency attached by ClinVar (database versions not stated): TOPMed 0.00012; gnomAD exomes 0.00001; gnomAD 0.00005.

Submission:

GeneDx
Classification: Likely benign. Last evaluated: 2016-11-01. Review status: criteria provided, single submitter. Criteria: GeneDx Variant Classification (06012015). Collection method: clinical testing. Allele origin: germline. Affected: yes.
Comment: This variant is considered likely benign or benign based on one or more of the following criteria: it is a conservative change, it occurs at a poorly conserved position in the protein, it is predicted to be benign by multiple in silico algorithms, and/or has population frequency not consistent with disease.

NM_000169.2(GLA):c.-32G>A

Genes: GLA (galactosidase alpha; minus strand), RPL36A-HNRNPH2 (RPL36A-HNRNPH2 readthrough; plus strand). Cytogenetic location: Xq22.1.
Variant type: single nucleotide variant.
Coding change: c.-32G>A on transcript NM_000169.2; 32 bases upstream of the start codon, G replaced by A.
Molecular consequence: intron variant (on NM_001199973.2).
Genome position (GRCh38, 1-based): chrX:101,407,935, C>T on the plus strand (G>A on the coding strand, the complement: GLA is on the minus strand). VCF-style: chrX-101407935-C-T. GRCh37 (hg19) VCF-style: chrX-100662923-C-T.
Other names: c.301-4001C>T (NM_001199973.2); c.178-4001C>T (NM_001199974.2).
Identifiers: ClinVar variation 390357 (VCV000390357.3), dbSNP rs1057523740, ClinGen allele CA16608235.